The following is an entry in ClinVar:

ClinVar aggregate classification (germline): Uncertain significance (1 of 4 stars; one submission).

Conditions:
GP1BA-related disorder. Also called: GP1BA-related condition.

gnomAD v4.1: 4 of 1,613,612 alleles (0.00025%); highest among the groups gnomAD compares: Non-Finnish European, 0.00034%; no homozygotes.

Submission:

PreventionGenetics, part of Exact Sciences
Classification: Uncertain significance for GP1BA-related condition. Last evaluated: 2025-07-31. Review status: criteria provided, single submitter. Criteria: ACMG Guidelines, 2015. Collection method: clinical testing. Allele origin: germline.
Comment: The GP1BA c.940T>G variant is predicted to result in the amino acid substitution p.Phe314Val. To our knowledge, this variant has not been reported in the literature. This variant is reported in 0.0016% of alleles in individuals of European (Non-Finnish) descent in gnomAD. At this time, the clinical significance of this variant is uncertain due to the absence of conclusive functional and genetic evidence.

NM_000173.7(GP1BA):c.940T>G (p.Phe314Val)

Gene: GP1BA (glycoprotein Ib platelet subunit alpha; plus strand). Cytogenetic location: 17p13.2.
Variant type: single nucleotide variant.
Coding change: c.940T>G on transcript NM_000173.7 (MANE Select); coding-DNA position 940, T replaced by G.
Protein change: p.Phe314Val; replaces phenylalanine 314 with valine.
Molecular consequence: missense variant.
Genome position (GRCh38, 1-based): chr17:4,933,544, T>G. VCF-style: chr17-4933544-T-G. GRCh37 (hg19) VCF-style: chr17-4836839-T-G.
Other names: short protein forms F314V.
Identifiers: ClinVar variation 4998429 (VCV004998429.1).
Genomic context (GRCh38, chr17:4,933,544, plus strand): 5'-TACTACCCAGAAGAGGACACTGAGGGCGATAAGGTGCGTGCCACAAGGACTGTGGTCAAG[T>G]TCCCCACCAAAGCCCATACAACCCCCTGGGGTCTATTCTACTCATGGTCCACTGCTTCTC-3'
Protein context (NP_000164.5, residues 304-324): KVRATRTVVK[Phe314Val]PTKAHTTPWG